The following is an entry in ClinVar:

ClinVar aggregate classification (germline): Uncertain significance (1 of 4 stars; one submission).

Conditions:
Pigmentary pallidal degeneration (NBIA1). Also called: PKAN NEUROAXONAL DYSTROPHY, JUVENILE-ONSET; HARP SYNDROME; Neurodegeneration with brain iron accumulation 1; Pantothenate Kinase-Associated Neurodegeneration; Neuroaxonal dystrophy, late infantile; Hallervorden-Spatz disease. Identifiers: Orphanet 157850, MedGen C0018523, MONDO:0009319, OMIM 234200.

Submission:

Labcorp Genetics (formerly Invitae), Labcorp
Classification: Uncertain significance for Pigmentary pallidal degeneration. Last evaluated: 2024-01-01. Review status: criteria provided, single submitter. Criteria: Invitae Variant Classification Sherloc (09022015). Collection method: clinical testing. Allele origin: germline.
Comment: This sequence change replaces arginine, which is basic and polar, with glycine, which is neutral and non-polar, at codon 286 of the PANK2 protein (p.Arg286Gly). This variant is not present in population databases (gnomAD no frequency). This variant has not been reported in the literature in individuals affected with PANK2-related conditions. Advanced modeling of protein sequence and biophysical properties (such as structural, functional, and spatial information, amino acid conservation, physicochemical variation, residue mobility, and thermodynamic stability) performed at Invitae indicates that this missense variant is expected to disrupt PANK2 protein function with a positive predictive value of 80%. This variant disrupts the p.Arg286 amino acid residue in PANK2. Other variant(s) that disrupt this residue have been determined to be pathogenic (PMID: 11479594, 16437574). This suggests that this residue is clinically significant, and that variants that disrupt this residue are likely to be disease-causing. In summary, the available evidence is currently insufficient to determine the role of this variant in disease. Therefore, it has been classified as a Variant of Uncertain Significance.

Literature cited by the submitters: PubMed 11479594; PubMed 16437574.

NM_001386393.1(PANK2):c.526C>G (p.Arg176Gly)

Gene: PANK2 (pantothenate kinase 2; plus strand). Cytogenetic location: 20p13.
Variant type: single nucleotide variant.
Coding change: c.526C>G on transcript NM_001386393.1 (MANE Select); coding-DNA position 526, C replaced by G.
Protein change: p.Arg176Gly; replaces arginine 176 with glycine.
Molecular consequence: missense variant. On other transcripts: 5 prime UTR variant (3), intron variant (1).
Genome position (GRCh38, 1-based): chr20:3,908,153, C>G. VCF-style: chr20-3908153-C-G. GRCh37 (hg19) VCF-style: chr20-3888800-C-G.
Other names: c.-18C>G (NM_001324191.2, NM_024960.6, NM_153640.4); c.856C>G, p.Arg286Gly (NM_001324192.1, NM_153638.4); c.-328+18C>G (NM_001324193.2); short protein forms R286G, R176G.
Identifiers: ClinVar variation 2828061 (VCV002828061.3), dbSNP rs137852962, ClinGen allele CA408112628.